The following is an entry in ClinVar:

ClinVar aggregate classification (germline): Uncertain significance (1 of 4 stars; one submission).

Allele frequency attached by ClinVar (database versions not stated): gnomAD exomes below 0.00001 and 0.00001; ExAC 0.00001.
gnomAD v4.1: 9 of 1,613,952 alleles (0.00056%); highest among the groups gnomAD compares: Non-Finnish European, 0.00076%; no homozygotes.

Submission:

Labcorp Genetics (formerly Invitae), Labcorp
Classification: Uncertain significance. Last evaluated: 2024-02-17. Review status: criteria provided, single submitter. Criteria: Invitae Variant Classification Sherloc (09022015). Collection method: clinical testing. Allele origin: germline.
Comment: This sequence change replaces proline, which is neutral and non-polar, with leucine, which is neutral and non-polar, at codon 57 of the FAM161A protein (p.Pro57Leu). This variant is present in population databases (rs751423531, gnomAD 0.0009%). This variant has not been reported in the literature in individuals affected with FAM161A-related conditions. ClinVar contains an entry for this variant (Variation ID: 1347429). An algorithm developed to predict the effect of missense changes on protein structure and function (PolyPhen-2) suggests that this variant is likely to be tolerated. In summary, the available evidence is currently insufficient to determine the role of this variant in disease. Therefore, it has been classified as a Variant of Uncertain Significance.

NM_001201543.2(FAM161A):c.170C>T (p.Pro57Leu)

Genes: FAM161A (FAM161 centrosomal protein A; minus strand), LOC129933843 (ATAC-STARR-seq lymphoblastoid active region 15839; plus strand). Cytogenetic location: 2p15.
Variant type: single nucleotide variant.
Coding change: c.170C>T on transcript NM_001201543.2 (MANE Select); coding-DNA position 170, C replaced by T.
Protein change: p.Pro57Leu; replaces proline 57 with leucine.
Molecular consequence: missense variant. On other transcripts: non-coding transcript variant (1).
Genome position (GRCh38, 1-based): chr2:61,853,872, G>A on the plus strand (C>T on the coding strand, the complement: FAM161A is on the minus strand). VCF-style: chr2-61853872-G-A. GRCh37 (hg19) VCF-style: chr2-62081007-G-A.
Other names: c.170C>T, p.Pro57Leu (NM_032180.3); short protein forms P57L.
Identifiers: ClinVar variation 1347429 (VCV001347429.5), dbSNP rs751423531, ClinGen allele CA1679434.